The following is an entry in ClinVar:

NM_000038.6(APC):c.1744-2272A>C

Gene: APC (APC regulator of WNT signaling pathway; plus strand). Cytogenetic location: 5q22.2.
Variant type: single nucleotide variant.
Coding change: c.1744-2272A>C on transcript NM_000038.6 (MANE Select); 2272 bases into the intron before coding-DNA position 1744, A replaced by C.
Molecular consequence: intron variant.
Genome position (GRCh38, 1-based): chr5:112,832,679, A>C. VCF-style: chr5-112832679-A-C. GRCh37 (hg19) VCF-style: chr5-112168376-A-C.
Other names: c.1744-2272A>C (NM_001354895.2, NM_001127510.3); c.1774-2272A>C (NM_001354897.2); c.1471-2272A>C (NM_001354902.2); c.1690-2272A>C (NM_001127511.3); c.1669-2272A>C (NM_001354898.2); c.1366-2272A>C (NM_001354904.2); c.895-2272A>C (NM_001354906.2); c.1798-2272A>C (NM_001354896.2); and 5 more.
Identifiers: ClinVar variation 82604 (VCV000082604.2), dbSNP rs74730413, ClinGen allele CA005841.

ClinVar aggregate classification (germline): other (0 of 4 stars; one submission).

Conditions:
Familial colorectal cancer. Identifiers: MedGen CN280943, MONDO:0023113. Disease mechanism: loss of function.

Submission:

Systems Biology Platform Zhejiang California International NanoSystems Institute
Classification: other for Familial colorectal cancer. Review status: no assertion criteria provided. Collection method: not provided. Allele origin: unknown.
ClinVar note: Converted during submission from cancer to other.